The following is an entry in ClinVar:

NM_001211.6(BUB1B):c.2596C>A (p.Leu866Ile)

Gene: BUB1B (BUB1 mitotic checkpoint serine/threonine kinase B; plus strand). Cytogenetic location: 15q15.1.
Variant type: single nucleotide variant.
Coding change: c.2596C>A on transcript NM_001211.6 (MANE Select); coding-DNA position 2596, C replaced by A.
Protein change: p.Leu866Ile; replaces leucine 866 with isoleucine.
Molecular consequence: missense variant.
Genome position (GRCh38, 1-based): chr15:40,213,392, C>A. VCF-style: chr15-40213392-C-A. GRCh37 (hg19) VCF-style: chr15-40505593-C-A.
Other names: short protein forms L866I.
Identifiers: ClinVar variation 3262238 (VCV003262238.1).
Genomic context (GRCh38, chr15:40,213,392, plus strand): 5'-GATCTTCTCCAACACAGTGAATATATTACCCATGAAATAACAGTGTTGATTATTTATAAC[C>A]TTTTGACAATAGTGGAGATGCTACACAAAGCAGAAATAGTCCATGGTGACTTGAGTCCAA-3'
Protein context (NP_001202.5, residues 856-876): HEITVLIIYN[Leu866Ile]LTIVEMLHKA

ClinVar aggregate classification (germline): Uncertain significance (1 of 4 stars; one submission).

Conditions:
Inborn genetic diseases. Identifiers: MedGen C0950123, MeSH D030342.

Submission:

Ambry Genetics
Classification: Uncertain significance for Inborn genetic diseases. Last evaluated: 2024-04-14. Review status: criteria provided, single submitter. Criteria: Ambry Variant Classification Scheme 2023. Collection method: clinical testing. Allele origin: germline.
Comment: The p.L866I variant (also known as c.2596C>A), located in coding exon 20 of the BUB1B gene, results from a C to A substitution at nucleotide position 2596. The leucine at codon 866 is replaced by isoleucine, an amino acid with highly similar properties. This amino acid position is conserved. In addition, this alteration is predicted to be tolerated by in silico analysis. Based on the available evidence, the clinical significance of this variant remains unclear.